The following is an entry in ClinVar:

NM_001211.6(BUB1B):c.247A>C (p.Ser83Arg)

Gene: BUB1B (BUB1 mitotic checkpoint serine/threonine kinase B; plus strand). Cytogenetic location: 15q15.1.
Variant type: single nucleotide variant.
Coding change: c.247A>C on transcript NM_001211.6 (MANE Select); coding-DNA position 247, A replaced by C.
Protein change: p.Ser83Arg; replaces serine 83 with arginine.
Molecular consequence: missense variant.
Genome position (GRCh38, 1-based): chr15:40,170,544, A>C. VCF-style: chr15-40170544-A-C. GRCh37 (hg19) VCF-style: chr15-40462745-A-C.
Other names: short protein forms S83R.
Identifiers: ClinVar variation 1409058 (VCV001409058.11), dbSNP rs147832586, ClinGen allele CA391678865.

ClinVar aggregate classification (germline): Uncertain significance. Review status: criteria provided, multiple submitters, no conflicts (2 of 4 stars). 2 submissions from 2 submitters: Uncertain significance (2). Last evaluated 2025-09-21.

Conditions:
Inborn genetic diseases. Identifiers: MedGen C0950123, MeSH D030342.
Mosaic variegated aneuploidy syndrome 1 (MVA1). Also called: Warburton-Anyane-Yeboa syndrome. Identifiers: Orphanet 1052, MedGen C1850343, MONDO:0009759, OMIM 257300.

gnomAD v4.1: 2 of 1,613,658 alleles (0.00012%); highest among the groups gnomAD compares: Non-Finnish European, 0.00017%; no homozygotes.

Submissions (2):

Ambry Genetics
Classification: Uncertain significance for Inborn genetic diseases. Last evaluated: 2025-09-21. Review status: criteria provided, single submitter. Criteria: Ambry Variant Classification Scheme 2023. Collection method: clinical testing. Allele origin: germline.
Comment: The p.S83R variant (also known as c.247A>C), located in coding exon 4 of the BUB1B gene, results from an A to C substitution at nucleotide position 247. The serine at codon 83 is replaced by arginine, an amino acid with dissimilar properties. This amino acid position is conserved. In addition, this alteration is predicted to be tolerated by in silico analysis. Since supporting evidence is limited at this time, the clinical significance of this alteration remains unclear.

Labcorp Genetics (formerly Invitae), Labcorp
Classification: Uncertain significance for Mosaic variegated aneuploidy syndrome 1. Last evaluated: 2024-04-15. Review status: criteria provided, single submitter. Criteria: Invitae Variant Classification Sherloc (09022015). Collection method: clinical testing. Allele origin: germline.
Comment: This sequence change replaces serine, which is neutral and polar, with arginine, which is basic and polar, at codon 83 of the BUB1B protein (p.Ser83Arg). This variant is not present in population databases (gnomAD no frequency). This variant has not been reported in the literature in individuals affected with BUB1B-related conditions. ClinVar contains an entry for this variant (Variation ID: 1409058). An algorithm developed to predict the effect of missense changes on protein structure and function (PolyPhen-2) suggests that this variant is likely to be tolerated. In summary, the available evidence is currently insufficient to determine the role of this variant in disease. Therefore, it has been classified as a Variant of Uncertain Significance.